The following is an entry in ClinVar:

ClinVar aggregate classification (germline): Conflicting classifications of pathogenicity. Review status: criteria provided, conflicting classifications (1 of 4 stars). 2 submissions from 2 submitters: Uncertain significance (1); Likely benign (1). Last evaluated 2025-10-01.

Conditions:
Spermatogenic failure 18. Identifiers: MedGen C4539783, MONDO:0054615, OMIM 617576.
Ciliary dyskinesia, primary, 37 (CILD37). Also called: CILIARY DYSKINESIA, PRIMARY, 37, WITH OR WITHOUT SITUS INVERSUS. Identifiers: MedGen C4539798, MONDO:0033204, OMIM 617577.

Allele frequency attached by ClinVar (database versions not stated): TOPMed 0.00002; gnomAD 0.00003 and 0.00004; gnomAD exomes 0.00005 and 0.00008; ESP Exome Variant Server 0.00008; ExAC 0.00010.
gnomAD v4.1: 123 of 1,608,222 alleles (0.0076%); highest among the groups gnomAD compares: Non-Finnish European, 0.0099%; no homozygotes.

Submissions (2):

Labcorp Genetics (formerly Invitae), Labcorp
Classification: Uncertain significance for Ciliary dyskinesia, primary, 37; Spermatogenic failure 18. Last evaluated: 2025-10-01. Review status: criteria provided, single submitter. Criteria: Invitae Variant Classification Sherloc (09022015). Collection method: clinical testing. Allele origin: germline.
Comment: This sequence change replaces alanine, which is neutral and non-polar, with threonine, which is neutral and polar, at codon 2554 of the DNAH1 protein (p.Ala2554Thr). The frequency data for this variant in the population databases is considered unreliable, as metrics indicate poor data quality at this position in the gnomAD database. This variant has not been reported in the literature in individuals affected with DNAH1-related conditions. ClinVar contains an entry for this variant (Variation ID: 946552). Invitae Evidence Modeling of protein sequence and biophysical properties (such as structural, functional, and spatial information, amino acid conservation, physicochemical variation, residue mobility, and thermodynamic stability) indicates that this missense variant is not expected to disrupt DNAH1 protein function with a negative predictive value of 80%. In summary, the available evidence is currently insufficient to determine the role of this variant in disease. Therefore, it has been classified as a Variant of Uncertain Significance.

Blueprint Genetics
Classification: Likely benign. Last evaluated: 2024-11-04. Review status: criteria provided, single submitter. Criteria: ACMG Guidelines, 2015. Collection method: clinical testing. Allele origin: germline.

NM_015512.5(DNAH1):c.7660G>A (p.Ala2554Thr)

Gene: DNAH1 (dynein axonemal heavy chain 1; plus strand). Cytogenetic location: 3p21.1.
Variant type: single nucleotide variant.
Coding change: c.7660G>A on transcript NM_015512.5 (MANE Select); coding-DNA position 7660, G replaced by A.
Protein change: p.Ala2554Thr; replaces alanine 2554 with threonine.
Molecular consequence: missense variant.
Genome position (GRCh38, 1-based): chr3:52,381,691, G>A. VCF-style: chr3-52381691-G-A. GRCh37 (hg19) VCF-style: chr3-52415707-G-A.
Other names: short protein forms A2554T.
Identifiers: ClinVar variation 946552 (VCV000946552.6), dbSNP rs369957070, ClinGen allele CA2434945.